The following is an entry in ClinVar:

NM_000361.3(THBD):c.788C>T (p.Pro263Leu)

Gene: THBD (thrombomodulin; minus strand). Cytogenetic location: 20p11.21.
Variant type: single nucleotide variant.
Coding change: c.788C>T on transcript NM_000361.3 (MANE Select); coding-DNA position 788, C replaced by T.
Protein change: p.Pro263Leu; replaces proline 263 with leucine.
Molecular consequence: missense variant.
Genome position (GRCh38, 1-based): chr20:23,048,717, G>A on the plus strand (C>T on the coding strand, the complement: THBD is on the minus strand). VCF-style: chr20-23048717-G-A. GRCh37 (hg19) VCF-style: chr20-23029354-G-A.
Other names: short protein forms P263L.
Identifiers: ClinVar variation 2855382 (VCV002855382.3), dbSNP rs2515204659, ClinGen allele CA408406939.

ClinVar aggregate classification (germline): Uncertain significance (1 of 4 stars; one submission).

Submission:

Labcorp Genetics (formerly Invitae), Labcorp
Classification: Uncertain significance. Last evaluated: 2023-04-12. Review status: criteria provided, single submitter. Criteria: Invitae Variant Classification Sherloc (09022015). Collection method: clinical testing. Allele origin: germline.
Comment: In summary, the available evidence is currently insufficient to determine the role of this variant in disease. Therefore, it has been classified as a Variant of Uncertain Significance. Advanced modeling of protein sequence and biophysical properties (such as structural, functional, and spatial information, amino acid conservation, physicochemical variation, residue mobility, and thermodynamic stability) performed at Invitae indicates that this missense variant is not expected to disrupt THBD protein function. This variant has not been reported in the literature in individuals affected with THBD-related conditions. This variant is not present in population databases (gnomAD no frequency). This sequence change replaces proline, which is neutral and non-polar, with leucine, which is neutral and non-polar, at codon 263 of the THBD protein (p.Pro263Leu).